The following is an entry in ClinVar:

NM_153834.4(ADGRG4):c.2022C>T (p.Leu674=)

Gene: ADGRG4 (adhesion G protein-coupled receptor G4; plus strand). Cytogenetic location: Xq26.3.
Variant type: single nucleotide variant.
Coding change: c.2022C>T on transcript NM_153834.4 (MANE Select); coding-DNA position 2022, C replaced by T.
Protein change: p.Leu674=; no amino-acid change (leucine 674 retained).
Molecular consequence: synonymous variant.
Genome position (GRCh38, 1-based): chrX:136,345,728, C>T. VCF-style: chrX-136345728-C-T. GRCh37 (hg19) VCF-style: chrX-135427887-C-T.
Identifiers: ClinVar variation 2661511 (VCV002661511.24), dbSNP rs374256351, ClinGen allele CA10526162.

ClinVar aggregate classification (germline): Likely benign (1 of 4 stars; one submission).

Allele frequency attached by ClinVar (database versions not stated): ExAC 0.00045; gnomAD 0.00045; TOPMed 0.00023; ESP Exome Variant Server 0.00028; gnomAD exomes 0.00044.
gnomAD v4.1: 537 of 1,209,672 alleles (0.044%); highest among the groups gnomAD compares: Non-Finnish European, 0.047%; no homozygotes.

Submission:

CeGaT Center for Human Genetics Tuebingen
Classification: Likely benign. Last evaluated: 2022-07-01. Review status: criteria provided, single submitter. Criteria: CeGaT Center For Human Genetics Tuebingen Variant Classification Criteria Version 2. Collection method: clinical testing. Allele origin: germline. Affected: yes. Observed: 1 variant allele.
Comment: ADGRG4: BP4, BP7